The following is an entry in ClinVar:

ClinVar aggregate classification (germline): not provided (0 of 4 stars; one submission).

Conditions:
Gestational diabetes mellitus uncontrolled. Identifiers: MedGen C3532257.

Submission:

Institute of Molecular and Cell Biology, University of Tartu
No classification provided. Condition: Gestational diabetes mellitus uncontrolled. Review status: no classification provided. Collection method: case-control. Allele origin: unknown. Affected: yes. Study: Kasak2014.
Comment: The study aimed to determine the contribution of copy number variants in the genetic etiology of normal and complicated pregnancies. The samples represented (i) maternal blood DNA drawn from healthy pregnant women during 1st or 2nd trimester and (ii) maternal and paternal blood DNA drawn at term pregnancy cases representing normal and complicated gestations (severe preeclampsia, PE; gestational diabetes, GD; small-for-gestational age newborn, SGA; large-for-gestational age newborn, LGA). We performed CNV calling based on genome-wide genotyping dataset (Illumina HumanOmniExpress-24-v1 BeadChip) by applying three algorithms, QuantiSNP, GADA (Genome Alteration Detection Algorithm) and CNstream in parallel. The acquired CNV calls were merged with HD-CNV (Hotspot Detector for Copy Number Variants) program and only the CNVs predicted by at least two programs, were considered in subsequent analysis.

Literature cited by the submitters: PubMed 25666259.

Single allele

Genes: LINC02316 (long intergenic non-protein coding RNA 2316; minus strand), LINC02328 (long intergenic non-protein coding RNA 2328; plus strand). Cytogenetic location: 14q31.3.
Variant type: Deletion.
Identifiers: ClinVar variation 157316 (VCV000157316.2).